The following is an entry in ClinVar:

ClinVar aggregate classification (germline): Likely benign (1 of 4 stars; one submission).

gnomAD v4.1: 2 of 1,597,640 alleles (0.00013%); highest among the groups gnomAD compares: Middle Eastern, 0.017%; no homozygotes.

Submission:

CeGaT Center for Human Genetics Tuebingen
Classification: Likely benign. Last evaluated: 2026-09-01. Review status: criteria provided, single submitter. Criteria: CeGaT Center For Human Genetics Tuebingen Variant Classification Criteria Version 2. Collection method: clinical testing. Allele origin: germline. Affected: yes. Observed: 1 variant allele.
Comment: COL4A2: BP4, BP7

NM_001846.4(COL4A2):c.2544C>G (p.Gly848=)

Gene: COL4A2 (collagen type IV alpha 2 chain; plus strand). Cytogenetic location: 13q34.
Variant type: single nucleotide variant.
Coding change: c.2544C>G on transcript NM_001846.4 (MANE Select); coding-DNA position 2544, C replaced by G.
Protein change: p.Gly848=; no amino-acid change (glycine 848 retained).
Molecular consequence: synonymous variant.
Genome position (GRCh38, 1-based): chr13:110,478,121, C>G. VCF-style: chr13-110478121-C-G. GRCh37 (hg19) VCF-style: chr13-111130468-C-G.
Identifiers: ClinVar variation 5041650 (VCV005041650.1).